The following is an entry in ClinVar:

ClinVar aggregate classification (germline): Uncertain significance (1 of 4 stars; one submission).

Conditions:
Developmental and epileptic encephalopathy, 9 (DEE9). Also called: EPILEPSY, FEMALE-RESTRICTED, WITH MENTAL RETARDATION; JUBERG-HELLMAN SYNDROME; Early infantile epileptic encephalopathy 9; PCDH19-Related X-Linked Female-Limited Epilepsy with Mental Retardation. Identifiers: Orphanet 101039, Orphanet 2076, MedGen C1848137, MONDO:0010246, OMIM 300088. Disease mechanism: loss of function.

Allele frequency attached by ClinVar (database versions not stated): gnomAD exomes below 0.00001.
gnomAD v4.1: 1 of 1,212,231 alleles (0.000082%); highest among the groups gnomAD compares: African/African-American, 0.0017%; no homozygotes.

Submission:

Labcorp Genetics (formerly Invitae), Labcorp
Classification: Uncertain significance for Developmental and epileptic encephalopathy, 9. Last evaluated: 2022-08-25. Review status: criteria provided, single submitter. Criteria: Invitae Variant Classification Sherloc (09022015). Collection method: clinical testing. Allele origin: germline.
Comment: This sequence change replaces glutamine, which is neutral and polar, with glutamic acid, which is acidic and polar, at codon 418 of the PCDH19 protein (p.Gln418Glu). This variant is not present in population databases (gnomAD no frequency). This variant has not been reported in the literature in individuals affected with PCDH19-related conditions. Advanced modeling of protein sequence and biophysical properties (such as structural, functional, and spatial information, amino acid conservation, physicochemical variation, residue mobility, and thermodynamic stability) performed at Invitae indicates that this missense variant is not expected to disrupt PCDH19 protein function. In summary, the available evidence is currently insufficient to determine the role of this variant in disease. Therefore, it has been classified as a Variant of Uncertain Significance.

NM_001184880.2(PCDH19):c.1252C>G (p.Gln418Glu)

Gene: PCDH19 (protocadherin 19; minus strand). Cytogenetic location: Xq22.1.
Variant type: single nucleotide variant.
Coding change: c.1252C>G on transcript NM_001184880.2 (MANE Select); coding-DNA position 1252, C replaced by G.
Protein change: p.Gln418Glu; replaces glutamine 418 with glutamic acid.
Molecular consequence: missense variant.
Genome position (GRCh38, 1-based): chrX:100,407,346, G>C on the plus strand (C>G on the coding strand, the complement: PCDH19 is on the minus strand). VCF-style: chrX-100407346-G-C. GRCh37 (hg19) VCF-style: chrX-99662344-G-C.
Other names: c.1252C>G, p.Gln418Glu (NM_001105243.2, NM_020766.3); short protein forms Q418E.
Identifiers: ClinVar variation 2171942 (VCV002171942.4), dbSNP rs2520984330, ClinGen allele CA414003422.